The following is an entry in ClinVar:

ClinVar aggregate classification (germline): Uncertain significance. Review status: criteria provided, multiple submitters, no conflicts (2 of 4 stars). 3 submissions from 3 submitters: Uncertain significance (3). Last evaluated 2024-12-04.

Conditions:
Combined immunodeficiency due to DOCK8 deficiency (HIES2). Also called: HIES autosomal recessive; HYPER-IgE SYNDROME 2, AUTOSOMAL RECESSIVE, WITH RECURRENT INFECTIONS; HYPER-IgE RECURRENT INFECTION SYNDROME 2, AUTOSOMAL RECESSIVE; DOCK8 Deficiency; Hyper-IgE recurrent infection syndrome, autosomal recessive. Identifiers: Orphanet 217390, MedGen C4722305, MONDO:0009478, OMIM 243700.
Inborn genetic diseases. Identifiers: MedGen C0950123, MeSH D030342.

Allele frequency attached by ClinVar (database versions not stated): gnomAD 0.00001; gnomAD exomes 0.00001; ExAC 0.00002; TOPMed 0.00002; ESP Exome Variant Server 0.00008.
gnomAD v4.1: 15 of 1,614,016 alleles (0.00093%); highest among the groups gnomAD compares: Admixed American, 0.0017%; no homozygotes.

Submissions (3):

Ambry Genetics
Classification: Uncertain significance for Inborn genetic diseases. Last evaluated: 2024-12-04. Review status: criteria provided, single submitter. Criteria: Ambry Variant Classification Scheme 2023. Collection method: clinical testing. Allele origin: germline.

Blueprint Genetics
Classification: Uncertain significance. Last evaluated: 2024-09-06. Review status: criteria provided, single submitter. Criteria: ACMG Guidelines, 2015. Collection method: clinical testing. Allele origin: germline.

Labcorp Genetics (formerly Invitae), Labcorp
Classification: Uncertain significance for Combined immunodeficiency due to DOCK8 deficiency. Last evaluated: 2021-10-28. Review status: criteria provided, single submitter. Criteria: Invitae Variant Classification Sherloc (09022015). Collection method: clinical testing. Allele origin: germline.
Comment: This sequence change replaces valine, which is neutral and non-polar, with isoleucine, which is neutral and non-polar, at codon 855 of the DOCK8 protein (p.Val855Ile). This variant is present in population databases (rs368921839, gnomAD 0.01%). This variant has not been reported in the literature in individuals affected with DOCK8-related conditions. ClinVar contains an entry for this variant (Variation ID: 938914). Algorithms developed to predict the effect of missense changes on protein structure and function (SIFT, PolyPhen-2, Align-GVGD) all suggest that this variant is likely to be tolerated. In summary, the available evidence is currently insufficient to determine the role of this variant in disease. Therefore, it has been classified as a Variant of Uncertain Significance.

NM_203447.4(DOCK8):c.2563G>A (p.Val855Ile)

Gene: DOCK8 (dedicator of cytokinesis 8; plus strand). Cytogenetic location: 9p24.3.
Variant type: single nucleotide variant.
Coding change: c.2563G>A on transcript NM_203447.4 (MANE Select); coding-DNA position 2563, G replaced by A.
Protein change: p.Val855Ile; replaces valine 855 with isoleucine.
Molecular consequence: missense variant.
Genome position (GRCh38, 1-based): chr9:379,893, G>A. VCF-style: chr9-379893-G-A. GRCh37 (hg19) VCF-style: chr9-379893-G-A.
Other names: c.2359G>A, p.Val787Ile (NM_001190458.2, NM_001193536.2); short protein forms V855I, V787I.
Identifiers: ClinVar variation 938914 (VCV000938914.7), dbSNP rs368921839, ClinGen allele CA4958231.
Genomic context (GRCh38, chr9:379,893, plus strand): 5'-AAGGACCTGAGCAAGGACCAGCATGGGAGGAACTGCCTGCTGGCTTCCTACGTGCACTAC[G>A]TCTTCCGCCTGCCAGAGGTGCAAAGGGATGTGCCCAAGTCAGGTAGAGTTGCCCTGAGTG-3'
Protein context (NP_982272.2, residues 845-865): NCLLASYVHY[Val855Ile]FRLPEVQRDV